The following is an entry in ClinVar:

NM_006648.4(WNK2):c.410C>T (p.Pro137Leu)

Gene: WNK2 (WNK lysine deficient protein kinase 2; plus strand). Cytogenetic location: 9q22.31.
Variant type: single nucleotide variant.
Coding change: c.410C>T on transcript NM_006648.4 (MANE Select); coding-DNA position 410, C replaced by T.
Protein change: p.Pro137Leu; replaces proline 137 with leucine.
Molecular consequence: missense variant.
Genome position (GRCh38, 1-based): chr9:93,185,339, C>T. VCF-style: chr9-93185339-C-T. GRCh37 (hg19) VCF-style: chr9-95947621-C-T.
Other names: c.410C>T, p.Pro137Leu (NM_001282394.3); short protein forms P137L.
Identifiers: ClinVar variation 3470349 (VCV003470349.1).
Genomic context (GRCh38, chr9:93,185,339, plus strand): 5'-AGCCCGTGGGCACGCAGGAGCCCGGCCCGGACCCCATCGCAGCCGCTGTCGAAACCGCGC[C>T]TGCCCCCGACGGCGGCCCCAGGGAGGAGGCGGCGGCGACCGTGAGGAAGGAGGATGAGGG-3'
Protein context (NP_006639.3, residues 127-147): DPIAAAVETA[Pro137Leu]APDGGPREEA

ClinVar aggregate classification (germline): Uncertain significance (1 of 4 stars; one submission).

Submission:

Ambry Genetics
Classification: Uncertain significance. Last evaluated: 2024-11-23. Review status: criteria provided, single submitter. Criteria: Ambry Variant Classification Scheme 2023. Collection method: clinical testing. Allele origin: germline.
Comment: The p.P137L variant (also known as c.410C>T), located in coding exon 1 of the WNK2 gene, results from a C to T substitution at nucleotide position 410. The proline at codon 137 is replaced by leucine, an amino acid with similar properties. This amino acid position is conserved. In addition, this alteration is predicted to be tolerated by in silico analysis. Based on the available evidence, the clinical significance of this variant remains unclear.